The following is an entry in ClinVar:

NM_002076.4(GNS):c.940G>A (p.Gly314Arg)

Gene: GNS (glucosamine (N-acetyl)-6-sulfatase; minus strand). Cytogenetic location: 12q14.3.
Variant type: single nucleotide variant.
Coding change: c.940G>A on transcript NM_002076.4 (MANE Select); coding-DNA position 940, G replaced by A.
Protein change: p.Gly314Arg; replaces glycine 314 with arginine.
Molecular consequence: missense variant.
Genome position (GRCh38, 1-based): chr12:64,739,435, C>T on the plus strand (G>A on the coding strand, the complement: GNS is on the minus strand). VCF-style: chr12-64739435-C-T. GRCh37 (hg19) VCF-style: chr12-65133215-C-T.
Other names: short protein forms G314R.
Identifiers: ClinVar variation 2183503 (VCV002183503.3), dbSNP rs1245116202, ClinGen allele CA385607840.

ClinVar aggregate classification (germline): Uncertain significance (1 of 4 stars; one submission).

Conditions:
Mucopolysaccharidosis, MPS-III-D (MPS3D). Also called: N-ACETYLGLUCOSAMINE-6-SULFATASE DEFICIENCY; SANFILIPPO SYNDROME D; MPS III D; Mucopoly-saccharidosis type 3D; N-acetylglucosamine-6-sulfate sulfatase deficiency; MPS 3D. Identifiers: Orphanet 581, Orphanet 79272, MedGen C0086650, MONDO:0009658, OMIM 252940.

Allele frequency attached by ClinVar (database versions not stated): gnomAD 0.00001.
gnomAD v4.1: 3 of 1,609,470 alleles (0.00019%); highest among the groups gnomAD compares: Admixed American, 0.005%; no homozygotes.

Submission:

Labcorp Genetics (formerly Invitae), Labcorp
Classification: Uncertain significance for Mucopolysaccharidosis, MPS-III-D. Last evaluated: 2024-03-11. Review status: criteria provided, single submitter. Criteria: Invitae Variant Classification Sherloc (09022015). Collection method: clinical testing. Allele origin: germline.
Comment: This sequence change replaces glycine, which is neutral and non-polar, with arginine, which is basic and polar, at codon 314 of the GNS protein (p.Gly314Arg). This variant is present in population databases (no rsID available, gnomAD 0.01%). This variant has not been reported in the literature in individuals affected with GNS-related conditions. ClinVar contains an entry for this variant (Variation ID: 2183503). Advanced modeling of protein sequence and biophysical properties (such as structural, functional, and spatial information, amino acid conservation, physicochemical variation, residue mobility, and thermodynamic stability) performed at Invitae indicates that this missense variant is not expected to disrupt GNS protein function with a negative predictive value of 80%. In summary, the available evidence is currently insufficient to determine the role of this variant in disease. Therefore, it has been classified as a Variant of Uncertain Significance.